The following is an entry in ClinVar:

ClinVar aggregate classification (germline): Uncertain significance (1 of 4 stars; one submission).

Conditions:
Developmental delay, hypotonia, musculoskeletal defects, and behavioral abnormalities. Identifiers: MedGen C5562012, MONDO:0859202, OMIM 619595.

Submission:

Laboratory of genome editing, Research Centre for Medical Genetics
Classification: Uncertain significance for Developmental delay, hypotonia, musculoskeletal defects, and behavioral abnormalities. Last evaluated: 2023-09-20. Review status: criteria provided, single submitter. Criteria: ACMG Guidelines, 2015. Collection method: clinical testing. Allele origin: maternal. Affected: yes. Observed: 1 heterozygote.
Comment: The variant is absent in population databases and is located at a consensus splice site. However, the variant is located in a transcript that is low expressed in all tissues.

NM_006662.3(SRCAP):c.-284+1G>T

Gene: SRCAP (Snf2 related CREBBP activator protein; plus strand). Cytogenetic location: 16p11.2.
Variant type: single nucleotide variant.
Coding change: c.-284+1G>T on transcript NM_006662.3 (MANE Select); the canonical splice donor site of the intron after 284 bases upstream of the start codon, G replaced by T.
Molecular consequence: splice donor variant.
Genome position (GRCh38, 1-based): chr16:30,699,243, G>T. VCF-style: chr16-30699243-G-T. GRCh37 (hg19) VCF-style: chr16-30710564-G-T.
Identifiers: ClinVar variation 2580156 (VCV002580156.2), dbSNP rs2506578873, ClinGen allele CA2580617986.